The following is an entry in ClinVar:

ClinVar aggregate classification (germline): Uncertain significance (1 of 4 stars; one submission).

Submission:

GeneDx
Classification: Uncertain significance. Last evaluated: 2024-06-11. Review status: criteria provided, single submitter. Criteria: GeneDx Variant Classification Process June 2021. Collection method: clinical testing. Allele origin: germline. Affected: yes.
Comment: Not observed at significant frequency in large population cohorts (gnomAD); In silico analysis supports that this missense variant has a deleterious effect on protein structure/function; Has not been previously published as pathogenic or benign to our knowledge

NM_001005273.3(CHD3):c.3759T>G (p.Ile1253Met)

Gene: CHD3 (chromodomain helicase DNA binding protein 3; plus strand). Cytogenetic location: 17p13.1.
Variant type: single nucleotide variant.
Coding change: c.3759T>G on transcript NM_001005273.3 (MANE Select); coding-DNA position 3759, T replaced by G.
Protein change: p.Ile1253Met; replaces isoleucine 1253 with methionine.
Molecular consequence: missense variant.
Genome position (GRCh38, 1-based): chr17:7,903,856, T>G. VCF-style: chr17-7903856-T-G. GRCh37 (hg19) VCF-style: chr17-7807174-T-G.
Other names: c.3936T>G, p.Ile1312Met (NM_001005271.3); c.3759T>G, p.Ile1253Met (NM_005852.4); short protein forms I1253M, I1312M.
Identifiers: ClinVar variation 3390737 (VCV003390737.1).